The following is an entry in ClinVar:

NM_004963.4(GUCY2C):c.1789A>C (p.Ile597Leu)

Gene: GUCY2C (guanylate cyclase 2C; minus strand). Cytogenetic location: 12p12.3.
Variant type: single nucleotide variant.
Coding change: c.1789A>C on transcript NM_004963.4 (MANE Select); coding-DNA position 1789, A replaced by C.
Protein change: p.Ile597Leu; replaces isoleucine 597 with leucine.
Molecular consequence: missense variant.
Genome position (GRCh38, 1-based): chr12:14,645,237, T>G on the plus strand (A>C on the coding strand, the complement: GUCY2C is on the minus strand). VCF-style: chr12-14645237-T-G. GRCh37 (hg19) VCF-style: chr12-14798171-T-G.
Other names: short protein forms I597L.
Identifiers: ClinVar variation 4621226 (VCV004621226.2).

ClinVar aggregate classification (germline): Uncertain significance. Review status: criteria provided, multiple submitters, no conflicts (2 of 4 stars). 2 submissions from 2 submitters: Uncertain significance (2). Last evaluated 2025-12-10.

Conditions:
Inborn genetic diseases. Identifiers: MedGen C0950123, MeSH D030342.

gnomAD v4.1: 52 of 1,539,898 alleles (0.0034%); highest among the groups gnomAD compares: Non-Finnish European, 0.0044%; no homozygotes.

Submissions (2):

Ambry Genetics
Classification: Uncertain significance for Inborn genetic diseases. Last evaluated: 2025-12-10. Review status: criteria provided, single submitter. Criteria: Ambry Variant Classification Scheme 2023. Collection method: clinical testing. Allele origin: germline.

Labcorp Genetics (formerly Invitae), Labcorp
Classification: Uncertain significance. Last evaluated: 2025-04-21. Review status: criteria provided, single submitter. Criteria: Invitae Variant Classification Sherloc (09022015). Collection method: clinical testing. Allele origin: germline.
Comment: This sequence change replaces isoleucine, which is neutral and non-polar, with leucine, which is neutral and non-polar, at codon 597 of the GUCY2C protein (p.Ile597Leu). This variant is present in population databases (rs780889055, gnomAD 0.003%). This variant has not been reported in the literature in individuals affected with GUCY2C-related conditions. Invitae Evidence Modeling of protein sequence and biophysical properties (such as structural, functional, and spatial information, amino acid conservation, physicochemical variation, residue mobility, and thermodynamic stability) indicates that this missense variant is not expected to disrupt GUCY2C protein function with a negative predictive value of 80%. In summary, the available evidence is currently insufficient to determine the role of this variant in disease. Therefore, it has been classified as a Variant of Uncertain Significance.